The following is an entry in ClinVar:

ClinVar aggregate classification (germline): Uncertain significance (1 of 4 stars; one submission).

Submission:

GeneDx
Classification: Uncertain significance. Last evaluated: 2026-03-08. Review status: criteria provided, single submitter. Criteria: GeneDx Variant Classification Process June 2021. Collection method: clinical testing. Allele origin: germline.
Comment: Not observed at significant frequency in large population cohorts (gnomAD); In silico analysis supports that this missense variant has a deleterious effect on protein structure/function; Has not been previously published as pathogenic or benign to our knowledge

NM_170606.3(KMT2C):c.11854A>G (p.Arg3952Gly)

Gene: KMT2C (lysine methyltransferase 2C; minus strand). Cytogenetic location: 7q36.1.
Variant type: single nucleotide variant.
Coding change: c.11854A>G on transcript NM_170606.3 (MANE Select); coding-DNA position 11854, A replaced by G.
Protein change: p.Arg3952Gly; replaces arginine 3952 with glycine.
Molecular consequence: missense variant.
Genome position (GRCh38, 1-based): chr7:152,156,016, T>C on the plus strand (A>G on the coding strand, the complement: KMT2C is on the minus strand). VCF-style: chr7-152156016-T-C. GRCh37 (hg19) VCF-style: chr7-151853101-T-C.
Other names: short protein forms R3952G.
Identifiers: ClinVar variation 5008774 (VCV005008774.1).